The following is an entry in ClinVar:

NM_006231.4(POLE):c.5885A>T (p.Glu1962Val)

Gene: POLE (DNA polymerase epsilon, catalytic subunit; minus strand). Cytogenetic location: 12q24.33.
Variant type: single nucleotide variant.
Coding change: c.5885A>T on transcript NM_006231.4 (MANE Select); coding-DNA position 5885, A replaced by T.
Protein change: p.Glu1962Val; replaces glutamic acid 1962 with valine.
Molecular consequence: missense variant.
Genome position (GRCh38, 1-based): chr12:132,634,305, T>A on the plus strand (A>T on the coding strand, the complement: POLE is on the minus strand). VCF-style: chr12-132634305-T-A. GRCh37 (hg19) VCF-style: chr12-133210891-T-A.
Other names: short protein forms E1962V.
Identifiers: ClinVar variation 3422091 (VCV003422091.1).

ClinVar aggregate classification (germline): Uncertain significance (1 of 4 stars; one submission).

Conditions:
Hereditary cancer-predisposing syndrome. Also called: Neoplastic Syndromes, Hereditary; Tumor predisposition; Hereditary Cancer Syndrome; Hereditary neoplastic syndrome. Identifiers: Orphanet 140162, MedGen C0027672, MeSH D009386, MONDO:0015356.

Submission:

Ambry Genetics
Classification: Uncertain significance for Hereditary cancer-predisposing syndrome. Last evaluated: 2024-08-22. Review status: criteria provided, single submitter. Criteria: Ambry Variant Classification Scheme 2023. Collection method: clinical testing. Allele origin: germline.
Comment: The p.E1962V variant (also known as c.5885A>T), located in coding exon 43 of the POLE gene, results from an A to T substitution at nucleotide position 5885. The glutamic acid at codon 1962 is replaced by valine, an amino acid with dissimilar properties. This amino acid position is conserved. In addition, this alteration is predicted to be tolerated by in silico analysis. Based on the available evidence, the clinical significance of this variant remains unclear.